The following is an entry in ClinVar:

NM_000121.4(EPOR):c.1160G>A (p.Gly387Glu)

Gene: EPOR (erythropoietin receptor; minus strand). Cytogenetic location: 19p13.2.
Variant type: single nucleotide variant.
Coding change: c.1160G>A on transcript NM_000121.4 (MANE Select); coding-DNA position 1160, G replaced by A.
Protein change: p.Gly387Glu; replaces glycine 387 with glutamic acid.
Molecular consequence: missense variant. On other transcripts: non-coding transcript variant (1).
Genome position (GRCh38, 1-based): chr19:11,378,351, C>T on the plus strand (G>A on the coding strand, the complement: EPOR is on the minus strand). VCF-style: chr19-11378351-C-T. GRCh37 (hg19) VCF-style: chr19-11489027-C-T.
Other names: short protein forms G387E.
Identifiers: ClinVar variation 4686493 (VCV004686493.1).
Genomic context (GRCh38, chr19:11,378,351, plus strand): 5'-GAGCAGGAGGATGCTTCTGAGCCTTCATCCATGGCCACTATGTCCACACTGCCACCAGGC[C>T]CTGGGAGGTCCTCACTGGGCGGGTTCCGGGGCAGCAACCATTTGTCCAGCACCAGATAGG-3'
Protein context (NP_000112.1, residues 377-397): PRNPPSEDLP[Gly387Glu]PGGSVDIVAM

ClinVar aggregate classification (germline): Uncertain significance (1 of 4 stars; one submission).

gnomAD v4.1: 1 of 1,613,282 alleles (0.000062%); highest among the groups gnomAD compares: South Asian, 0.0011%; no homozygotes.

Submission:

GeneDx
Classification: Uncertain significance. Last evaluated: 2025-07-16. Review status: criteria provided, single submitter. Criteria: GeneDx Variant Classification Process June 2021. Collection method: clinical testing. Allele origin: germline. Affected: yes.
Comment: Not observed at significant frequency in large population cohorts (gnomAD); In silico analysis suggests that this missense variant does not alter protein structure/function; Has not been previously published as pathogenic or benign to our knowledge